The following is an entry in ClinVar:

ClinVar aggregate classification (germline): Likely benign. Review status: criteria provided, multiple submitters, no conflicts (2 of 4 stars). 3 submissions from 3 submitters: Likely benign (3). Last evaluated 2026-01-19.

Allele frequency attached by ClinVar (database versions not stated): gnomAD exomes 0.00020; TOPMed 0.00020; gnomAD 0.00025 and 0.00026; ExAC 0.00026; ESP Exome Variant Server 0.00031.

Submissions (3):

Labcorp Genetics (formerly Invitae), Labcorp
Classification: Likely benign. Last evaluated: 2026-01-19. Review status: criteria provided, single submitter. Criteria: Invitae Variant Classification Sherloc (09022015). Collection method: clinical testing. Allele origin: germline.

Blueprint Genetics
Classification: Likely benign. Last evaluated: 2024-11-26. Review status: criteria provided, single submitter. Criteria: ACMG Guidelines, 2015. Collection method: clinical testing. Allele origin: germline.

GeneDx
Classification: Likely benign. Last evaluated: 2017-04-05. Review status: criteria provided, single submitter. Criteria: GeneDx Variant Classification (06012015). Collection method: clinical testing. Allele origin: germline. Affected: yes.
Comment: This variant is considered likely benign or benign based on one or more of the following criteria: it is a conservative change, it occurs at a poorly conserved position in the protein, it is predicted to be benign by multiple in silico algorithms, and/or has population frequency not consistent with disease.

NM_004341.5(CAD):c.2893-9C>T

Gene: CAD (carbamoyl-phosphate synthetase 2, aspartate transcarbamylase, and dihydroorotase; plus strand). Cytogenetic location: 2p23.3.
Variant type: single nucleotide variant.
Coding change: c.2893-9C>T on transcript NM_004341.5 (MANE Select); 9 bases into the intron before coding-DNA position 2893, C replaced by T.
Molecular consequence: intron variant.
Genome position (GRCh38, 1-based): chr2:27,233,033, C>T. VCF-style: chr2-27233033-C-T. GRCh37 (hg19) VCF-style: chr2-27455901-C-T.
Other names: c.2704-9C>T (NM_001306079.2).
Identifiers: ClinVar variation 508742 (VCV000508742.12), dbSNP rs202055490, ClinGen allele CA1573137.
Genomic context (GRCh38, chr2:27,233,033, plus strand): 5'-TTCTCCACGATTTTCTCCACGATTTTCCTCCCACCTGACTGCTAAGTACCCTTCCCCTCC[C>T]TCTTGCAGATGGGATATAAGACCATCATGGTGAACTATAACCCAGAGACAGTCAGCACCG-3'